The following is an entry in ClinVar:

ClinVar aggregate classification (germline): Conflicting classifications of pathogenicity. Review status: criteria provided, conflicting classifications (1 of 4 stars). 5 submissions from 5 submitters: Uncertain significance (3); Likely benign (2). Last evaluated 2025-09-15.

Conditions:
Hereditary cancer-predisposing syndrome. Also called: Neoplastic Syndromes, Hereditary; Tumor predisposition; Hereditary Cancer Syndrome; Hereditary neoplastic syndrome. Identifiers: Orphanet 140162, MedGen C0027672, MeSH D009386, MONDO:0015356.
Hereditary breast ovarian cancer syndrome. Also called: Hereditary breast and ovarian cancer; Hereditary breast and/or ovarian cancer syndrome; BRCA1- and BRCA2-Associated Hereditary Breast and Ovarian Cancer; Hereditary breast and ovarian cancer syndrome (HBOC); Hereditary breast and ovarian cancer syndrome; Breast and ovarian cancer. Identifiers: Orphanet 145, MedGen C0677776, MeSH D061325, MONDO:0003582. Disease mechanism: loss of function.

Allele frequency attached by ClinVar (database versions not stated): gnomAD exomes below 0.00001 and 0.00002; ExAC 0.00003; TOPMed 0.00003; gnomAD 0.00004 and 0.00003.

Submissions (5):

Labcorp Genetics (formerly Invitae), Labcorp
Classification: Uncertain significance for Hereditary breast ovarian cancer syndrome. Last evaluated: 2025-09-15. Review status: criteria provided, single submitter. Criteria: Invitae Variant Classification Sherloc (09022015). Collection method: clinical testing. Allele origin: germline.
Comment: This sequence change replaces arginine, which is basic and polar, with isoleucine, which is neutral and non-polar, at codon 1471 of the BRCA2 protein (p.Arg1471Ile). This variant is present in population databases (rs786203839, gnomAD 0.03%). This variant has not been reported in the literature in individuals affected with BRCA2-related conditions. ClinVar contains an entry for this variant (Variation ID: 187579). Invitae Evidence Modeling of protein sequence and biophysical properties (such as structural, functional, and spatial information, amino acid conservation, physicochemical variation, residue mobility, and thermodynamic stability) indicates that this missense variant is not expected to disrupt BRCA2 protein function with a negative predictive value of 95%. In summary, the available evidence is currently insufficient to determine the role of this variant in disease. Therefore, it has been classified as a Variant of Uncertain Significance.

Women's Health and Genetics/Laboratory Corporation of America, LabCorp
Classification: Uncertain significance. Last evaluated: 2023-05-22. Review status: criteria provided, single submitter. Criteria: LabCorp Variant Classification Summary - May 2015. Collection method: clinical testing. Allele origin: germline.
Comment: Variant summary: BRCA2 c.4412G>T (p.Arg1471Ile) results in a non-conservative amino acid change in the encoded protein sequence. Four of five in-silico tools predict a benign effect of the variant on protein function. The variant allele was found at a frequency of 2.4e-05 in 248690 control chromosomes. The available data on variant occurrences in the general population are insufficient to allow any conclusion about variant significance. To our knowledge, no occurrence of c.4412G>T in individuals affected with Hereditary Breast And Ovarian Cancer Syndrome and no experimental evidence demonstrating its impact on protein function have been reported. Co-occurrences with other pathogenic variant(s) have been reported (BRCA2 c.8414_8416delinsC, p.Leu2805fsX6), providing supporting evidence for a benign role. Four clinical diagnostic laboratories have submitted clinical-significance assessments for this variant to ClinVar after 2014 and reported the variant with conflicting assessments: VUS (n=2) and Likely Benign (n=2). Based on the evidence outlined above, the variant was classified as VUS-possibly benign.

University of Washington Department of Laboratory Medicine, University of Washington
Classification: Likely benign for Hereditary cancer-predisposing syndrome. Last evaluated: 2023-03-23. Review status: criteria provided, single submitter. Criteria: Dines et al. (Genet Med. 2020). Collection method: curation. Allele origin: germline.
Comment: Missense variant in a coldspot region where missense variants are very unlikely to be pathogenic (PMID:31911673).

BRCA2 exon 11 coldspot. Reclassification based on statistical prior probability.

Ambry Genetics
Classification: Likely benign for Hereditary cancer-predisposing syndrome. Last evaluated: 2021-08-20. Review status: criteria provided, single submitter. Criteria: Ambry Variant Classification Scheme 2023. Collection method: clinical testing. Allele origin: germline.

GeneDx
Classification: Uncertain significance. Last evaluated: 2019-05-28. Review status: criteria provided, single submitter. Criteria: GeneDx Variant Classification Process June 2021. Collection method: clinical testing. Allele origin: germline. Affected: yes.
Comment: Not observed at a significant frequency in large population cohorts (Lek et al., 2016); In silico analysis, which includes protein predictors and evolutionary conservation, supports a deleterious effect; Has not been previously published as pathogenic or benign to our knowledge

NM_000059.4(BRCA2):c.4412G>T (p.Arg1471Ile)

Gene: BRCA2 (BRCA2 DNA repair associated; plus strand). Cytogenetic location: 13q13.1.
Variant type: single nucleotide variant.
Coding change: c.4412G>T on transcript NM_000059.4 (MANE Select); coding-DNA position 4412, G replaced by T.
Protein change: p.Arg1471Ile; replaces arginine 1471 with isoleucine.
Molecular consequence: missense variant.
Genome position (GRCh38, 1-based): chr13:32,338,767, G>T. VCF-style: chr13-32338767-G-T. GRCh37 (hg19) VCF-style: chr13-32912904-G-T.
Other names: short protein forms R1471I.
Identifiers: ClinVar variation 187579 (VCV000187579.17), dbSNP rs786203839, ClinGen allele CA020137.
Genomic context (GRCh38, chr13:32,338,767, plus strand): 5'-ATCAGAAACCAGAAGAATTGCATAACTTTTCCTTAAATTCTGAATTACATTCTGACATAA[G>T]AAAGAACAAAATGGACATTCTAAGTTATGAGGAAACAGACATAGTTAAACACAAAATACT-3'
Protein context (NP_000050.3, residues 1461-1481): SLNSELHSDI[Arg1471Ile]KNKMDILSYE